The following is an entry in ClinVar:

NM_002878.4(RAD51D):c.268_269delinsT (p.Asp90fs)

Genes: RAD51L3-RFFL (RAD51L3-RFFL readthrough; minus strand), RAD51D (RAD51 paralog D; minus strand). Cytogenetic location: 17q12.
Variant type: Indel.
Coding change: c.268_269delinsT on transcript NM_002878.4 (MANE Select); coding-DNA positions 268 to 269, GA replaced by T.
Protein change: p.Asp90fs; shifts the reading frame from aspartic acid 90.
Molecular consequence: frameshift variant. On other transcripts: non-coding transcript variant (2), intron variant (1).
Genome position (GRCh38, 1-based): chr17:35,107,442-35,107,443, TC replaced by A on the plus strand (GA replaced by T on the coding strand, the reverse complement: RAD51D is on the minus strand). VCF-style: chr17-35107442-TC-A. GRCh37 (hg19) VCF-style: chr17-33434461-TC-A.
Other names: c.328_329delinsT, p.Asp110fs (NM_001142571.2); c.145-962_145-961delinsT (NM_133629.3); short protein forms D110fs, D90fs.
Identifiers: ClinVar variation 2116208 (VCV002116208.4), dbSNP rs2509143386, ClinGen allele CA2580093242.

ClinVar aggregate classification (germline): Pathogenic (1 of 4 stars; one submission).

Conditions:
Breast-ovarian cancer, familial, susceptibility to, 4. Identifiers: Orphanet 145, MedGen C3280345, MONDO:0013669, OMIM 614291.

Submission:

Labcorp Genetics (formerly Invitae), Labcorp
Classification: Pathogenic for Breast-ovarian cancer, familial, susceptibility to, 4. Last evaluated: 2022-03-09. Review status: criteria provided, single submitter. Criteria: Invitae Variant Classification Sherloc (09022015). Collection method: clinical testing. Allele origin: germline.
Comment: This sequence change creates a premature translational stop signal (p.Asp90Leufs*13) in the RAD51D gene. It is expected to result in an absent or disrupted protein product. Loss-of-function variants in RAD51D are known to be pathogenic (PMID: 21822267). This variant is not present in population databases (gnomAD no frequency). This variant has not been reported in the literature in individuals affected with RAD51D-related conditions. For these reasons, this variant has been classified as Pathogenic.

Literature cited by the submitters: PubMed 21822267.